The following is an entry in ClinVar:

ClinVar aggregate classification (germline): Conflicting classifications of pathogenicity. Review status: criteria provided, conflicting classifications (1 of 4 stars). 3 submissions from 3 submitters: Uncertain significance (1); Likely benign (1). 1 of the submissions does not count toward it. Last evaluated 2022-12-01.

Conditions:
Nephronophthisis. Also called: Juvenile Nephronophthisis. Identifiers: Orphanet 655, MedGen C0687120, MONDO:0019005, HP:0000090.

Allele frequency attached by ClinVar (database versions not stated): ESP Exome Variant Server 0.00008; TOPMed 0.00018; gnomAD 0.00021; ExAC 0.00024; gnomAD exomes 0.00025.

Submissions (3):

CeGaT Center for Human Genetics Tuebingen
Classification: Likely benign. Last evaluated: 2022-12-01. Review status: criteria provided, single submitter. Criteria: CeGaT Center For Human Genetics Tuebingen Variant Classification Criteria Version 2. Collection method: clinical testing. Allele origin: germline. Affected: yes. Observed: 1 variant allele.
Comment: ADAMTS9: BP4

Labcorp Genetics (formerly Invitae), Labcorp
Classification: Uncertain significance. Last evaluated: 2022-10-05. Review status: criteria provided, single submitter. Criteria: Invitae Variant Classification Sherloc (09022015). Collection method: clinical testing. Allele origin: germline.
Comment: In summary, the available evidence is currently insufficient to determine the role of this variant in disease. Therefore, it has been classified as a Variant of Uncertain Significance. Experimental studies have shown that this missense change affects ADAMTS9 function (PMID: 30609407). Algorithms developed to predict the effect of missense changes on protein structure and function output the following: SIFT: "Deleterious"; PolyPhen-2: "Benign"; Align-GVGD: "Class C0". The arginine amino acid residue is found in multiple mammalian species, which suggests that this missense change does not adversely affect protein function. ClinVar contains an entry for this variant (Variation ID: 1344640). This missense change has been observed in individual(s) with ADAMTS9-related conditions (PMID: 30609407). This variant is present in population databases (rs192420947, gnomAD 0.09%), and has an allele count higher than expected for a pathogenic variant. This sequence change replaces threonine, which is neutral and polar, with arginine, which is basic and polar, at codon 65 of the ADAMTS9 protein (p.Thr65Arg).

Yale Center for Mendelian Genomics, Yale University
Classification: Likely pathogenic for Nephronophthisis. Last evaluated: 2019-01-03. Review status: no assertion criteria provided. Collection method: literature only. Allele origin: germline. Affected: yes. Observed: 1 homozygote. Study: Yale Center for Mendelian Genomics. Not counted in ClinVar's aggregate classification.

Literature cited by the submitters: PubMed 30609407 (cited by Labcorp Genetics (formerly Invitae), Labcorp and Yale Center for Mendelian Genomics, Yale University).

NM_182920.2(ADAMTS9):c.194C>G (p.Thr65Arg)

Genes: ADAMTS9 (ADAM metallopeptidase with thrombospondin type 1 motif 9; minus strand), ADAMTS9-AS2 (ADAMTS9 antisense RNA 2; plus strand). Cytogenetic location: 3p14.1.
Variant type: single nucleotide variant.
Coding change: c.194C>G on transcript NM_182920.2 (MANE Select); coding-DNA position 194, C replaced by G.
Protein change: p.Thr65Arg; replaces threonine 65 with arginine.
Molecular consequence: missense variant.
Genome position (GRCh38, 1-based): chr3:64,686,890, G>C on the plus strand (C>G on the coding strand, the complement: ADAMTS9 is on the minus strand). VCF-style: chr3-64686890-G-C. GRCh37 (hg19) VCF-style: chr3-64672566-G-C.
Other names: c.194C>G, p.Thr65Arg (NM_001318781.2); short protein forms T65R.
Identifiers: ClinVar variation 1344640 (VCV001344640.27), dbSNP rs192420947, ClinGen allele CA2481928.